The following is an entry in ClinVar:

NM_021831.6(AGBL5):c.1981A>G (p.Met661Val)

Gene: AGBL5 (AGBL carboxypeptidase 5; plus strand). Cytogenetic location: 2p23.3.
Variant type: single nucleotide variant.
Coding change: c.1981A>G on transcript NM_021831.6 (MANE Select); coding-DNA position 1981, A replaced by G.
Protein change: p.Met661Val; replaces methionine 661 with valine.
Molecular consequence: missense variant. On other transcripts: non-coding transcript variant (2).
Genome position (GRCh38, 1-based): chr2:27,059,296, A>G. VCF-style: chr2-27059296-A-G. GRCh37 (hg19) VCF-style: chr2-27282164-A-G.
Other names: c.1981A>G, p.Met661Val (NM_001035507.3); short protein forms M661V.
Identifiers: ClinVar variation 955509 (VCV000955509.9), dbSNP rs575207401, ClinGen allele CA1568032.

ClinVar aggregate classification (germline): Uncertain significance (1 of 4 stars; one submission).

Allele frequency attached by ClinVar (database versions not stated): gnomAD 0.00004 and 0.00003; ExAC 0.00001; TOPMed 0.00001; gnomAD exomes 0.00002.

Submissions (2):

Labcorp Genetics (formerly Invitae), Labcorp
Classification: Uncertain significance. Last evaluated: 2025-01-06. Review status: criteria provided, single submitter. Criteria: Invitae Variant Classification Sherloc (09022015). Collection method: clinical testing. Allele origin: germline.
Comment: This sequence change replaces methionine, which is neutral and non-polar, with valine, which is neutral and non-polar, at codon 661 of the AGBL5 protein (p.Met661Val). This variant is present in population databases (rs575207401, gnomAD 0.005%). This variant has not been reported in the literature in individuals affected with AGBL5-related conditions. ClinVar contains an entry for this variant (Variation ID: 955509). An algorithm developed to predict the effect of missense changes on protein structure and function (PolyPhen-2) suggests that this variant¬†is likely to be tolerated. Algorithms developed to predict the effect of sequence changes on RNA splicing suggest that this variant may disrupt the consensus splice site. In summary, the available evidence is currently insufficient to determine the role of this variant in disease. Therefore, it has been classified as a Variant of Uncertain Significance.

Dr. Peter K. Rogan Lab, Western University
No classification provided (evidence only). Condition: Lung cancer. Review status: no classification provided. Collection method: in vitro. Allele origin: not applicable. Functional consequence: retained intron. Not counted in ClinVar's aggregate classification.